The following is an entry in ClinVar:

NM_017999.5(RNF31):c.2062C>A (p.Arg688=)

Gene: RNF31 (ring finger protein 31; plus strand). Cytogenetic location: 14q12.
Variant type: single nucleotide variant.
Coding change: c.2062C>A on transcript NM_017999.5 (MANE Select); coding-DNA position 2062, C replaced by A.
Protein change: p.Arg688=; no amino-acid change (arginine 688 retained).
Molecular consequence: synonymous variant.
Genome position (GRCh38, 1-based): chr14:24,151,924, C>A. VCF-style: chr14-24151924-C-A. GRCh37 (hg19) VCF-style: chr14-24621133-C-A.
Other names: c.1609C>A, p.Arg537= (NM_001310332.2).
Identifiers: ClinVar variation 1939345 (VCV001939345.7), dbSNP rs985796955, ClinGen allele CA485663516.

ClinVar aggregate classification (germline): Likely benign. Review status: criteria provided, single submitter (1 of 4 stars). 2 submissions from 2 submitters: Likely benign (1). 1 of the submissions does not count toward it. Last evaluated 2024-07-24.

Conditions:
RNF31-related disorder. Also called: RNF31-related condition.

Submissions (2):

Labcorp Genetics (formerly Invitae), Labcorp
Classification: Likely benign. Last evaluated: 2024-07-24. Review status: criteria provided, single submitter. Criteria: Invitae Variant Classification Sherloc (09022015). Collection method: clinical testing. Allele origin: germline.

PreventionGenetics, part of Exact Sciences
Classification: Likely benign for RNF31-related condition. Last evaluated: 2019-07-10. Review status: no assertion criteria provided. Collection method: clinical testing. Allele origin: germline. Not counted in ClinVar's aggregate classification.
Comment: This variant is classified as likely benign based on ACMG/AMP sequence variant interpretation guidelines (Richards et al. 2015 PMID: 25741868, with internal and published modifications).